The following is an entry in ClinVar:

ClinVar aggregate classification (germline): Benign/Likely benign. Review status: criteria provided, multiple submitters, no conflicts (2 of 4 stars). 9 submissions from 9 submitters: Benign (6); Likely benign (2). 1 of the submissions does not count toward it. Last evaluated 2026-01-26.

Conditions:
RPS6KA3-related disorder. Also called: RPS6KA3-related condition.
Inborn genetic diseases. Identifiers: MedGen C0950123, MeSH D030342.
Coffin-Lowry syndrome (CLS). Also called: Mental retardation with osteocartilaginous abnormalities; COFFIN-LOWRY SYNDROME, MILD. Identifiers: Orphanet 192, MedGen C0265252, MONDO:0010561, OMIM 303600.
Intellectual developmental disorder, X-linked 19. Also called: Intellectual disability, X-linked 19. Identifiers: Orphanet 777, MedGen C0796225, MONDO:0010447, OMIM 300844.

Allele frequency attached by ClinVar (database versions not stated): 1000 Genomes Project 30x 0.00042; 1000 Genomes Project 0.00053; TOPMed 0.00246; gnomAD 0.00329 and 0.00336; gnomAD exomes 0.00359 and 0.00422; ESP Exome Variant Server 0.00360; ExAC 0.00378.
gnomAD v4.1: 4,860 of 1,190,051 alleles (0.41%); highest among the groups gnomAD compares: Non-Finnish European, 0.48%; 8 homozygotes.

Submissions (9):

Labcorp Genetics (formerly Invitae), Labcorp
Classification: Benign for Coffin-Lowry syndrome; Intellectual developmental disorder, X-linked 19. Last evaluated: 2026-01-26. Review status: criteria provided, single submitter. Criteria: Invitae Variant Classification Sherloc (09022015). Collection method: clinical testing. Allele origin: germline.

Blueprint Genetics
Classification: Likely benign. Last evaluated: 2024-11-28. Review status: criteria provided, single submitter. Criteria: ACMG Guidelines, 2015. Collection method: clinical testing. Allele origin: germline.

Fulgent Genetics
Classification: Likely benign for Intellectual developmental disorder, X-linked 19; Coffin-Lowry syndrome. Last evaluated: 2021-10-05. Review status: criteria provided, single submitter. Criteria: ACMG Guidelines, 2015. Collection method: clinical testing. Allele origin: unknown.

GeneDx
Classification: Benign. Last evaluated: 2019-05-03. Review status: criteria provided, single submitter. Criteria: GeneDx Variant Classification Process June 2021. Collection method: clinical testing. Allele origin: germline. Affected: yes.

Eurofins Ntd Llc (ga)
Classification: Benign. Last evaluated: 2018-01-19. Review status: criteria provided, single submitter. Criteria: EGL Classification Definitions 2015. Collection method: clinical testing. Allele origin: germline. Observed: 1 variant allele, 1 heterozygote.

Ambry Genetics
Classification: Benign for Inborn genetic diseases. Last evaluated: 2016-08-26. Review status: criteria provided, single submitter. Criteria: Ambry Variant Classification Scheme 2023. Collection method: clinical testing. Allele origin: germline.

Genetic Services Laboratory, University of Chicago
Classification: Benign. Last evaluated: 2016-08-12. Review status: criteria provided, single submitter. Criteria: ACMG Guidelines, 2015. Collection method: clinical testing. Allele origin: germline. Affected: no.

Breakthrough Genomics
Classification: Benign. Review status: criteria provided, single submitter. Criteria: ACMG Guidelines, 2015. Collection method: not provided. Allele origin: germline. Inheritance: X-linked inheritance. Affected: yes.

PreventionGenetics, part of Exact Sciences
Classification: Benign for RPS6KA3-related condition. Last evaluated: 2021-10-19. Review status: no assertion criteria provided. Collection method: clinical testing. Allele origin: germline. Not counted in ClinVar's aggregate classification.
Comment: This variant is classified as benign based on ACMG/AMP sequence variant interpretation guidelines (Richards et al. 2015 PMID: 25741868, with internal and published modifications).

NM_004586.3(RPS6KA3):c.213A>G (p.Leu71=)

Gene: RPS6KA3 (ribosomal protein S6 kinase A3; minus strand). Cytogenetic location: Xp22.12.
Variant type: single nucleotide variant.
Coding change: c.213A>G on transcript NM_004586.3 (MANE Select); coding-DNA position 213, A replaced by G.
Protein change: p.Leu71=; no amino-acid change (leucine 71 retained).
Molecular consequence: synonymous variant.
Genome position (GRCh38, 1-based): chrX:20,209,318, T>C on the plus strand (A>G on the coding strand, the complement: RPS6KA3 is on the minus strand). VCF-style: chrX-20209318-T-C. GRCh37 (hg19) VCF-style: chrX-20227436-T-C.
Identifiers: ClinVar variation 212069 (VCV000212069.30), dbSNP rs56338023, ClinGen allele CA205544.
Genomic context (GRCh38, chrX:20,209,318, plus strand): 5'-CTCTTAAAAAAGCACACACTCATGACTTACCTTTCCAAATGATCCCTGCCCTAATACTTT[T>C]AAAAGTTCAAACTGGGAAGGATCTGCCTTTTCATGTCCTTCCTTTACATGATGTGTGATT-3'
Protein context (NP_004577.1, residues 61-81): EKADPSQFEL[Leu71=]KVLGQGSFGK